The following is an entry in ClinVar:

NM_005445.4(SMC3):c.3454C>T (p.Gln1152Ter)

Gene: SMC3 (structural maintenance of chromosomes 3; plus strand). Cytogenetic location: 10q25.2.
Variant type: single nucleotide variant.
Coding change: c.3454C>T on transcript NM_005445.4 (MANE Select); coding-DNA position 3454, C replaced by T.
Protein change: p.Gln1152Ter; replaces glutamine 1152 with a stop codon.
Molecular consequence: nonsense.
Genome position (GRCh38, 1-based): chr10:110,602,981, C>T. VCF-style: chr10-110602981-C-T. GRCh37 (hg19) VCF-style: chr10-112362739-C-T.
Other names: short protein forms Q1152*.
Identifiers: ClinVar variation 3632582 (VCV003632582.2).

ClinVar aggregate classification (germline): Pathogenic (1 of 4 stars; one submission).

Conditions:
Cornelia de Lange syndrome 3 (CDLS3). Also called: SMC3-Related Cornelia de Lange Syndrome; CORNELIA DE LANGE SYNDROME 3 WITH OR WITHOUT MIDLINE BRAIN DEFECTS. Identifiers: Orphanet 199, MedGen C1853099, MONDO:0012555, OMIM 610759.

Submission:

Labcorp Genetics (formerly Invitae), Labcorp
Classification: Pathogenic for Cornelia de Lange syndrome 3. Last evaluated: 2025-05-05. Review status: criteria provided, single submitter. Criteria: Invitae Variant Classification Sherloc (09022015). Collection method: clinical testing. Allele origin: germline.
Comment: This sequence change creates a premature translational stop signal (p.Gln1152*) in the SMC3 gene. It is expected to result in an absent or disrupted protein product. Loss-of-function variants in SMC3 are known to be pathogenic (PMID: 17273969, 38297832). This variant is not present in population databases (gnomAD no frequency). This variant has not been reported in the literature in individuals affected with SMC3-related conditions. ClinVar contains an entry for this variant (Variation ID: 3632582). For these reasons, this variant has been classified as Pathogenic.

Literature cited by the submitters: PubMed 17273969; PubMed 38297832.